The following is an entry in ClinVar:

NM_172362.3(KCNH1):c.67C>A (p.Arg23=)

Gene: KCNH1 (potassium voltage-gated channel subfamily H member 1; minus strand). Cytogenetic location: 1q32.2.
Variant type: single nucleotide variant.
Coding change: c.67C>A on transcript NM_172362.3 (MANE Select); coding-DNA position 67, C replaced by A.
Protein change: p.Arg23=; no amino-acid change (arginine 23 retained).
Molecular consequence: synonymous variant.
Genome position (GRCh38, 1-based): chr1:211,133,879, G>T on the plus strand (C>A on the coding strand, the complement: KCNH1 is on the minus strand). VCF-style: chr1-211133879-G-T. GRCh37 (hg19) VCF-style: chr1-211307221-G-T.
Other names: c.67C>A, p.Arg23= (NM_002238.4).
Identifiers: ClinVar variation 3040621 (VCV003040621.2), dbSNP rs2526917202, ClinGen allele CA423115023.

ClinVar aggregate classification (germline): Likely benign (0 of 4 stars; one submission).

Conditions:
KCNH1-related disorder. Also called: KCNH1-related disorders; KCNH1-related condition.

Submission:

PreventionGenetics, part of Exact Sciences
Classification: Likely benign for KCNH1-related condition. Last evaluated: 2019-09-17. Review status: no assertion criteria provided. Collection method: clinical testing. Allele origin: germline.
Comment: This variant is classified as likely benign based on ACMG/AMP sequence variant interpretation guidelines (Richards et al. 2015 PMID: 25741868, with internal and published modifications).